The following is an entry in ClinVar:

NM_018670.4(MESP1):c.503A>G (p.Asp168Gly)

Genes: MESP1 (mesoderm posterior bHLH transcription factor 1; minus strand), LOC130057888 (ATAC-STARR-seq lymphoblastoid silent region 6803; plus strand). Cytogenetic location: 15q26.1.
Variant type: single nucleotide variant.
Coding change: c.503A>G on transcript NM_018670.4 (MANE Select); coding-DNA position 503, A replaced by G.
Protein change: p.Asp168Gly; replaces aspartic acid 168 with glycine.
Molecular consequence: missense variant.
Genome position (GRCh38, 1-based): chr15:89,750,729, T>C on the plus strand (A>G on the coding strand, the complement: MESP1 is on the minus strand). VCF-style: chr15-89750729-T-C. GRCh37 (hg19) VCF-style: chr15-90293960-T-C.
Other names: c.503A>G (NM_018670.3); short protein forms D168G.
Identifiers: ClinVar variation 1654286 (VCV001654286.10), dbSNP rs200810210, ClinGen allele CA7730186.
Genomic context (GRCh38, chr15:89,750,729, plus strand): 5'-CCGCGCCCCTGCCCCTGCCCCTCAGCCTGCGTCCGTGTCTGCATCTGCGCGGGGCAGTCG[T>C]CGGGGCACAGCGGGCAGCCCCGAGGGGACCCCGCGTCACCGCGCTGCCGGCACCGGCGCT-3'
Protein context (NP_061140.1, residues 158-178): GSPRGCPLCP[Asp168Gly]DCPAQMQTRT

ClinVar aggregate classification (germline): Benign. Review status: criteria provided, single submitter (1 of 4 stars). 2 submissions from 2 submitters: Benign (1). 1 of the submissions does not count toward it. Last evaluated 2025-11-10.

Conditions:
MESP1-related disorder. Also called: MESP1-related condition.

Allele frequency attached by ClinVar (database versions not stated): gnomAD exomes 0.00068 and 0.00127; ESP Exome Variant Server 0.00360; ExAC 0.00521; gnomAD 0.00797 and 0.00856; TOPMed 0.00910; 1000 Genomes Project 0.00919; 1000 Genomes Project 30x 0.00937.
gnomAD v4.1: 2,119 of 1,413,792 alleles (0.15%); highest among the groups gnomAD compares: African/African-American, 2.9%; 34 homozygotes.

Submissions (2):

Labcorp Genetics (formerly Invitae), Labcorp
Classification: Benign. Last evaluated: 2025-11-10. Review status: criteria provided, single submitter. Criteria: Invitae Variant Classification Sherloc (09022015). Collection method: clinical testing. Allele origin: germline.

PreventionGenetics, part of Exact Sciences
Classification: Benign for MESP1-related condition. Last evaluated: 2019-06-12. Review status: no assertion criteria provided. Collection method: clinical testing. Allele origin: germline. Not counted in ClinVar's aggregate classification.
Comment: This variant is classified as benign based on ACMG/AMP sequence variant interpretation guidelines (Richards et al. 2015 PMID: 25741868, with internal and published modifications).